The following is an entry in ClinVar:

NM_000719.7(CACNA1C):c.615G>T (p.Val205=)

Gene: CACNA1C (calcium voltage-gated channel subunit alpha1 C; plus strand). Cytogenetic location: 12p13.33.
Variant type: single nucleotide variant.
Coding change: c.615G>T on transcript NM_000719.7 (MANE Select); coding-DNA position 615, G replaced by T.
Protein change: p.Val205=; no amino-acid change (valine 205 retained).
Molecular consequence: synonymous variant.
Genome position (GRCh38, 1-based): chr12:2,449,113, G>T. VCF-style: chr12-2449113-G-T. GRCh37 (hg19) VCF-style: chr12-2558279-G-T.
Other names: c.615G>T, p.Val205= (NM_001129827.2, NM_001129829.2, NM_001129830.3 and 19 more transcripts).
Identifiers: ClinVar variation 456993 (VCV000456993.15), dbSNP rs747320984, ClinGen allele CA6388483.

ClinVar aggregate classification (germline): Likely benign. Review status: criteria provided, multiple submitters, no conflicts (2 of 4 stars). 4 submissions from 4 submitters: Likely benign (4). Last evaluated 2026-07-01.

Conditions:
Cardiovascular phenotype. Identifiers: MedGen CN230736.
Long QT syndrome (LQTS). Identifiers: MedGen C0023976, MeSH D008133, MONDO:0002442. Disease mechanism: loss of function. Inheritance: Various modes of inheritance.

Allele frequency attached by ClinVar (database versions not stated): gnomAD 0.00001; TOPMed 0.00002; ExAC 0.00004.
gnomAD v4.1: 41 of 1,542,366 alleles (0.0027%); highest among the groups gnomAD compares: Non-Finnish European, 0.0036%; no homozygotes.

Submissions (4):

CeGaT Center for Human Genetics Tuebingen
Classification: Likely benign. Last evaluated: 2026-07-01. Review status: criteria provided, single submitter. Criteria: CeGaT Center For Human Genetics Tuebingen Variant Classification Criteria Version 2. Collection method: clinical testing. Allele origin: germline. Affected: yes. Observed: 1 variant allele.
Comment: CACNA1C: BP4, BP7

Labcorp Genetics (formerly Invitae), Labcorp
Classification: Likely benign for Long QT syndrome. Last evaluated: 2025-11-02. Review status: criteria provided, single submitter. Criteria: Invitae Variant Classification Sherloc (09022015). Collection method: clinical testing. Allele origin: germline.

Ambry Genetics
Classification: Likely benign for Cardiovascular phenotype. Last evaluated: 2025-04-30. Review status: criteria provided, single submitter. Criteria: Ambry Variant Classification Scheme 2023. Collection method: clinical testing. Allele origin: germline.

Blueprint Genetics
Classification: Likely benign. Last evaluated: 2024-11-19. Review status: criteria provided, single submitter. Criteria: ACMG Guidelines, 2015. Collection method: clinical testing. Allele origin: germline.